The following is an entry in ClinVar:

NM_004448.4(ERBB2):c.1064C>T (p.Ala355Val)

Gene: ERBB2 (erb-b2 receptor tyrosine kinase 2; plus strand). Cytogenetic location: 17q12.
Variant type: single nucleotide variant.
Coding change: c.1064C>T on transcript NM_004448.4 (MANE Select); coding-DNA position 1064, C replaced by T.
Protein change: p.Ala355Val; replaces alanine 355 with valine.
Molecular consequence: missense variant. On other transcripts: non-coding transcript variant (1).
Genome position (GRCh38, 1-based): chr17:39,712,364, C>T. VCF-style: chr17-39712364-C-T. GRCh37 (hg19) VCF-style: chr17-37868617-C-T.
Other names: c.1064C>T, p.Ala355Val (NM_001382788.1, NM_001382789.1, NM_001382790.1 and 16 more transcripts); c.1055C>T, p.Ala352Val (NM_001382791.1); c.974C>T, p.Ala325Val (NM_001005862.3, NM_001289938.2, NM_001382782.1 and 1 more transcripts); c.1019C>T, p.Ala340Val (NM_001289936.2); c.1139C>T, p.Ala380Val (NM_001382787.1); c.884C>T, p.Ala295Val (NM_001382799.1); c.806C>T, p.Ala269Val (NM_001382802.1); c.236C>T, p.Ala79Val (NM_001382804.1); short protein forms A269V, A295V, A325V, A340V, A352V, A355V, A380V, A79V.
Identifiers: ClinVar variation 3611423 (VCV003611423.2).

ClinVar aggregate classification (germline): Uncertain significance (1 of 4 stars; one submission).

gnomAD v4.1: 1 of 1,613,712 alleles (0.000062%); highest among the groups gnomAD compares: East Asian, 0.0022%; no homozygotes.

Submission:

Labcorp Genetics (formerly Invitae), Labcorp
Classification: Uncertain significance. Last evaluated: 2024-10-15. Review status: criteria provided, single submitter. Criteria: Invitae Variant Classification Sherloc (09022015). Collection method: clinical testing. Allele origin: germline.
Comment: This sequence change replaces alanine, which is neutral and non-polar, with valine, which is neutral and non-polar, at codon 355 of the ERBB2 protein (p.Ala355Val). This variant is not present in population databases (gnomAD no frequency). This variant has not been reported in the literature in individuals affected with ERBB2-related conditions. Invitae Evidence Modeling of protein sequence and biophysical properties (such as structural, functional, and spatial information, amino acid conservation, physicochemical variation, residue mobility, and thermodynamic stability) indicates that this missense variant is not expected to disrupt ERBB2 protein function with a negative predictive value of 80%. In summary, the available evidence is currently insufficient to determine the role of this variant in disease. Therefore, it has been classified as a Variant of Uncertain Significance.